The following is an entry in ClinVar:

ClinVar aggregate classification (germline): Uncertain significance (1 of 4 stars; one submission).

Submission:

GeneDx
Classification: Uncertain significance. Last evaluated: 2019-07-05. Review status: criteria provided, single submitter. Criteria: GeneDx Variant Classification Process June 2021. Collection method: clinical testing. Allele origin: germline. Affected: yes.
Comment: Not observed in large population cohorts (Lek et al., 2016); In silico analysis, which includes protein predictors and evolutionary conservation, supports a deleterious effect; Has not been previously published as pathogenic or benign to our knowledge

NM_001376.5(DYNC1H1):c.472G>C (p.Ala158Pro)

Gene: DYNC1H1 (dynein cytoplasmic 1 heavy chain 1; plus strand). Cytogenetic location: 14q32.31.
Variant type: single nucleotide variant.
Coding change: c.472G>C on transcript NM_001376.5 (MANE Select); coding-DNA position 472, G replaced by C.
Protein change: p.Ala158Pro; replaces alanine 158 with proline.
Molecular consequence: missense variant.
Genome position (GRCh38, 1-based): chr14:101,979,446, G>C. VCF-style: chr14-101979446-G-C. GRCh37 (hg19) VCF-style: chr14-102445783-G-C.
Other names: short protein forms A158P.
Identifiers: ClinVar variation 1302646 (VCV001302646.2), dbSNP rs2141269455, ClinGen allele CA391007700.